The following is an entry in ClinVar:

ClinVar aggregate classification (germline): Uncertain significance (1 of 4 stars; one submission).

Allele frequency attached by ClinVar (database versions not stated): gnomAD exomes below 0.00001; gnomAD 0.00001; TOPMed 0.00001.
gnomAD v4.1: 2 of 1,614,108 alleles (0.00012%); highest among the groups gnomAD compares: African/African-American, 0.0027%; no homozygotes.

Submission:

Labcorp Genetics (formerly Invitae), Labcorp
Classification: Uncertain significance. Last evaluated: 2023-08-10. Review status: criteria provided, single submitter. Criteria: Invitae Variant Classification Sherloc (09022015). Collection method: clinical testing. Allele origin: germline.
Comment: In summary, the available evidence is currently insufficient to determine the role of this variant in disease. Therefore, it has been classified as a Variant of Uncertain Significance. Advanced modeling of protein sequence and biophysical properties (such as structural, functional, and spatial information, amino acid conservation, physicochemical variation, residue mobility, and thermodynamic stability) performed at Invitae indicates that this missense variant is expected to disrupt DMP1 protein function. ClinVar contains an entry for this variant (Variation ID: 1968905). This variant has not been reported in the literature in individuals affected with DMP1-related conditions. This variant is present in population databases (no rsID available, gnomAD 0.01%). This sequence change replaces serine, which is neutral and polar, with glycine, which is neutral and non-polar, at codon 429 of the DMP1 protein (p.Ser429Gly).

NM_004407.4(DMP1):c.1285A>G (p.Ser429Gly)

Genes: DMP1-AS1 (DMP1 and DSPP antisense RNA 1; minus strand), DMP1 (dentin matrix acidic phosphoprotein 1; plus strand). Cytogenetic location: 4q22.1.
Variant type: single nucleotide variant.
Coding change: c.1285A>G on transcript NM_004407.4 (MANE Select); coding-DNA position 1285, A replaced by G.
Protein change: p.Ser429Gly; replaces serine 429 with glycine.
Molecular consequence: missense variant.
Genome position (GRCh38, 1-based): chr4:87,663,063, A>G. VCF-style: chr4-87663063-A-G. GRCh37 (hg19) VCF-style: chr4-88584215-A-G.
Other names: c.1237A>G, p.Ser413Gly (NM_001079911.3); short protein forms S413G, S429G.
Identifiers: ClinVar variation 1968905 (VCV001968905.5), dbSNP rs944782562, ClinGen allele CA101381884.
Genomic context (GRCh38, chr4:87,663,063, plus strand): 5'-AGTGAGAGCCTCAACTTCTCAGAGGAAAGCCCGGAGTCCCCTGAGGATGAGAACAGCTCC[A>G]GCCAGGAGGGCCTCCAGTCTCACAGCAGCTCAGCAGAGAGTCAGAGCGAGGAAAGCCATT-3'
Protein context (NP_004398.1, residues 419-439): PESPEDENSS[Ser429Gly]QEGLQSHSSS